The following is an entry in ClinVar:

ClinVar aggregate classification (germline): Uncertain significance (1 of 4 stars; one submission).

Conditions:
Nephronophthisis. Also called: Juvenile Nephronophthisis. Identifiers: Orphanet 655, MedGen C0687120, MONDO:0019005, HP:0000090.

Submission:

Labcorp Genetics (formerly Invitae), Labcorp
Classification: Uncertain significance for Nephronophthisis. Last evaluated: 2022-11-01. Review status: criteria provided, single submitter. Criteria: Invitae Variant Classification Sherloc (09022015). Collection method: clinical testing. Allele origin: germline.
Comment: This sequence change replaces serine, which is neutral and polar, with proline, which is neutral and non-polar, at codon 999 of the INVS protein (p.Ser999Pro). In summary, the available evidence is currently insufficient to determine the role of this variant in disease. Therefore, it has been classified as a Variant of Uncertain Significance. Algorithms developed to predict the effect of missense changes on protein structure and function are either unavailable or do not agree on the potential impact of this missense change (SIFT: "Tolerated"; PolyPhen-2: "Possibly Damaging"; Align-GVGD: "Class C0"). ClinVar contains an entry for this variant (Variation ID: 966367). This variant has not been reported in the literature in individuals affected with INVS-related conditions. This variant is not present in population databases (gnomAD no frequency).

NM_014425.5(INVS):c.2995T>C (p.Ser999Pro)

Gene: INVS (inversin; plus strand). Cytogenetic location: 9q31.1.
Variant type: single nucleotide variant.
Coding change: c.2995T>C on transcript NM_014425.5 (MANE Select); coding-DNA position 2995, T replaced by C.
Protein change: p.Ser999Pro; replaces serine 999 with proline.
Molecular consequence: missense variant. On other transcripts: non-coding transcript variant (1).
Genome position (GRCh38, 1-based): chr9:100,297,125, T>C. VCF-style: chr9-100297125-T-C. GRCh37 (hg19) VCF-style: chr9-103059407-T-C.
Other names: c.2707T>C, p.Ser903Pro (NM_001318381.2); c.2017T>C, p.Ser673Pro (NM_001318382.2); short protein forms S673P, S903P, S999P.
Identifiers: ClinVar variation 966367 (VCV000966367.9), dbSNP rs1833814101, ClinGen allele CA374245404.
Genomic context (GRCh38, chr9:100,297,125, plus strand): 5'-GTAAGCAAGGCCCCCAAGAGTCCATCCAAGGGCACCTCAGGCACAAAGTCCACCAAGCAC[T>C]CAGTGCTTAAGCAAATCTATGGTAACTGTCCTTCTGCCTACTTTGTAGTTCACAAGTACC-3'
Protein context (NP_055240.2, residues 989-1009): GTSGTKSTKH[Ser999Pro]VLKQIYGCSH